The following is an entry in ClinVar:

ClinVar aggregate classification (germline): Uncertain significance (1 of 4 stars; one submission).

Allele frequency attached by ClinVar (database versions not stated): TOPMed below 0.00001; gnomAD 0.00001.
gnomAD v4.1: 1 of 1,614,062 alleles (0.000062%); highest among the groups gnomAD compares: Admixed American, 0.0017%; no homozygotes.

Submission:

GeneDx
Classification: Uncertain significance. Last evaluated: 2023-03-28. Review status: criteria provided, single submitter. Criteria: GeneDx Variant Classification Process June 2021. Collection method: clinical testing. Allele origin: germline. Affected: yes.
Comment: Not observed at significant frequency in large population cohorts (gnomAD); In silico analysis supports that this missense variant has a deleterious effect on protein structure/function; Has not been previously published as pathogenic or benign to our knowledge

NM_014112.5(TRPS1):c.162G>C (p.Gln54His)

Gene: TRPS1 (transcriptional repressor GATA binding 1; minus strand). Cytogenetic location: 8q23.3.
Variant type: single nucleotide variant.
Coding change: c.162G>C on transcript NM_014112.5 (MANE Select); coding-DNA position 162, G replaced by C.
Protein change: p.Gln54His; replaces glutamine 54 with histidine.
Molecular consequence: missense variant.
Genome position (GRCh38, 1-based): chr8:115,619,936, C>G on the plus strand (G>C on the coding strand, the complement: TRPS1 is on the minus strand). VCF-style: chr8-115619936-C-G. GRCh37 (hg19) VCF-style: chr8-116632163-C-G.
Other names: c.135G>C, p.Gln45His (NM_001282902.3); c.141G>C, p.Gln47His (NM_001282903.3); c.123G>C, p.Gln41His (NM_001330599.2); short protein forms Q41H, Q45H, Q47H, Q54H.
Identifiers: ClinVar variation 2581944 (VCV002581944.1), dbSNP rs1475154181, ClinGen allele CA372070247.